The following is an entry in ClinVar:

NM_001267550.2(TTN):c.15090G>A (p.Met5030Ile)

Gene: TTN (titin; minus strand). Cytogenetic location: 2q31.2.
Variant type: single nucleotide variant.
Coding change: c.15090G>A on transcript NM_001267550.2 (MANE Select); coding-DNA position 15090, G replaced by A.
Protein change: p.Met5030Ile; replaces methionine 5030 with isoleucine.
Molecular consequence: missense variant. On other transcripts: intron variant (3).
Genome position (GRCh38, 1-based): chr2:178,734,834, C>T on the plus strand (G>A on the coding strand, the complement: TTN is on the minus strand). VCF-style: chr2-178734834-C-T. GRCh37 (hg19) VCF-style: chr2-179599561-C-T.
Other names: c.14139G>A, p.Met4713Ile (NM_001256850.1); c.11358G>A, p.Met3786Ile (NM_133378.4); c.13282+3248G>A (NM_003319.4); c.13858+3248G>A (NM_133437.4); c.13657+3248G>A (NM_133432.3); short protein forms M3786I, M4713I, M5030I.
Identifiers: ClinVar variation 5007964 (VCV005007964.1).

ClinVar aggregate classification (germline): Uncertain significance (1 of 4 stars; one submission).

Submission:

GeneDx
Classification: Uncertain significance. Last evaluated: 2026-02-24. Review status: criteria provided, single submitter. Criteria: GeneDx Variant Classification Process June 2021. Collection method: clinical testing. Allele origin: germline.
Comment: Not observed at significant frequency in large population cohorts (gnomAD); Missense variant in a gene in which most reported pathogenic variants are truncating/loss of function; Has not been previously published as pathogenic or benign to our knowledge